The following is an entry in ClinVar:

NM_000492.4(CFTR):c.3264del (p.Trp1089fs)

Genes: CFTR (CF transmembrane conductance regulator; plus strand), CFTR-AS2 (CFTR antisense RNA 2; minus strand), LOC111674472 (DNase I hypersensitive sites in introns 16 and 17a of CFTR; plus strand). Cytogenetic location: 7q31.2.
Variant type: Deletion.
Coding change: c.3264del on transcript NM_000492.4 (MANE Select); coding-DNA position 3264, one base deleted (C; older notation c.3264delC).
Protein change: p.Trp1089fs; shifts the reading frame from tryptophan 1089.
Molecular consequence: frameshift variant.
Genome position (GRCh38, 1-based): chr7:117,611,705, C deleted. VCF-style (leftmost placement, unchanged base first): chr7-117611704-AC-A. GRCh37 (hg19) VCF-style: chr7-117251758-AC-A.
Other names: c.3264delC (NM_000492.3, NM_000492.4); short protein forms W1089fs.
Identifiers: ClinVar variation 53699 (VCV000053699.3), dbSNP rs397508525, ClinGen allele CA327119.

ClinVar aggregate classification (germline): Pathogenic. Review status: criteria provided, multiple submitters, no conflicts (2 of 4 stars). 3 submissions from 3 submitters: Pathogenic (2). 1 of the submissions does not count toward it. Last evaluated 2024-08-06.

Conditions:
Cystic fibrosis (CF). Also called: MUCOVISCIDOSIS. Identifiers: Orphanet 586, MedGen C0010674, MONDO:0009061, OMIM 219700. Disease mechanism: loss of function.

Submissions (3):

Women's Health and Genetics/Laboratory Corporation of America, LabCorp
Classification: Pathogenic for Cystic fibrosis. Last evaluated: 2024-08-06. Review status: criteria provided, single submitter. Criteria: LabCorp Variant Classification Summary - May 2015. Collection method: clinical testing. Allele origin: germline.
Comment: Variant summary: CFTR c.3264delC (p.Trp1089GlyfsX13) results in a premature termination codon, predicted to cause a truncation of the encoded protein or absence of the protein due to nonsense mediated decay, which are commonly known mechanisms for disease. The variant was absent in 251114 control chromosomes. c.3264delC has been reported in the literature in at least one individual affected with Cystic Fibrosis (e.g. Dreano_2023). To our knowledge, no experimental evidence demonstrating an impact on protein function has been reported. The following publication has been ascertained in the context of this evaluation (PMID: 37696564). ClinVar contains an entry for this variant (Variation ID: 53699). Based on the evidence outlined above, the variant was classified as pathogenic.

CFTR-France
Classification: Pathogenic for cystic fibrosis. Last evaluated: 2018-01-29. Review status: criteria provided, single submitter. Criteria: Claustres M et al. (Hum Mutat 2017). Collection method: curation. Allele origin: germline. Affected: yes.

ClinVar Staff, National Center for Biotechnology Information (NCBI)
No classification provided. Condition: CFTR-related disorders. Review status: no classification provided. Collection method: literature only. Allele origin: germline. Affected: yes. Not counted in ClinVar's aggregate classification.

Literature cited by the submitters: PubMed 37696564 (cited by Women's Health and Genetics/Laboratory Corporation of America, LabCorp); PubMed 20059485 (cited by ClinVar Staff, National Center for Biotechnology Information (NCBI)).